The following is an entry in ClinVar:

NM_145290.4(ADGRA3):c.2197C>G (p.Gln733Glu)

Gene: ADGRA3 (adhesion G protein-coupled receptor A3; minus strand). Cytogenetic location: 4p15.2.
Variant type: single nucleotide variant.
Coding change: c.2197C>G on transcript NM_145290.4 (MANE Select); coding-DNA position 2197, C replaced by G.
Protein change: p.Gln733Glu; replaces glutamine 733 with glutamic acid.
Molecular consequence: missense variant.
Genome position (GRCh38, 1-based): chr4:22,413,217, G>C on the plus strand (C>G on the coding strand, the complement: ADGRA3 is on the minus strand). VCF-style: chr4-22413217-G-C. GRCh37 (hg19) VCF-style: chr4-22414840-G-C.
Other names: c.2197C>G (NM_145290.2); short protein forms Q733E.
Identifiers: ClinVar variation 2063541 (VCV002063541.5), dbSNP rs1477601827, ClinGen allele CA356479403.

ClinVar aggregate classification (germline): Uncertain significance. Review status: criteria provided, multiple submitters, no conflicts (2 of 4 stars). 2 submissions from 2 submitters: Uncertain significance (2). Last evaluated 2024-10-21.

Allele frequency attached by ClinVar (database versions not stated): TOPMed below 0.00001.
gnomAD v4.1: 5 of 1,613,896 alleles (0.00031%); highest among the groups gnomAD compares: Admixed American, 0.005%; no homozygotes.

Submissions (2):

Ambry Genetics
Classification: Uncertain significance. Last evaluated: 2024-10-21. Review status: criteria provided, single submitter. Criteria: Ambry Variant Classification Scheme 2023. Collection method: clinical testing. Allele origin: germline.

Labcorp Genetics (formerly Invitae), Labcorp
Classification: Uncertain significance. Last evaluated: 2024-10-16. Review status: criteria provided, single submitter. Criteria: Invitae Variant Classification Sherloc (09022015). Collection method: clinical testing. Allele origin: germline.
Comment: This sequence change replaces glutamine, which is neutral and polar, with glutamic acid, which is acidic and polar, at codon 733 of the ADGRA3 protein (p.Gln733Glu). This variant is present in population databases (no rsID available, gnomAD 0.006%). This variant has not been reported in the literature in individuals affected with ADGRA3-related conditions. ClinVar contains an entry for this variant (Variation ID: 2063541). An algorithm developed to predict the effect of missense changes on protein structure and function (PolyPhen-2) suggests that this variant is likely to be disruptive. In summary, the available evidence is currently insufficient to determine the role of this variant in disease. Therefore, it has been classified as a Variant of Uncertain Significance.